The following is an entry in ClinVar:

ClinVar aggregate classification (germline): Pathogenic (1 of 4 stars; one submission).

Allele frequency attached by ClinVar (database versions not stated): gnomAD exomes below 0.00001.

Submission:

Labcorp Genetics (formerly Invitae), Labcorp
Classification: Pathogenic. Last evaluated: 2020-08-08. Review status: criteria provided, single submitter. Criteria: Invitae Variant Classification Sherloc (09022015). Collection method: clinical testing. Allele origin: germline.
Comment: For these reasons, this variant has been classified as Pathogenic. Loss-of-function variants in ORC1 are known to be pathogenic (PMID: 21358633). This variant has not been reported in the literature in individuals with ORC1-related conditions. This variant is not present in population databases (ExAC no frequency). This sequence change creates a premature translational stop signal (p.Arg444*) in the ORC1 gene. It is expected to result in an absent or disrupted protein product.

Literature cited by the submitters: PubMed 21358633.

NM_004153.4(ORC1):c.1330C>T (p.Arg444Ter)

Gene: ORC1 (origin recognition complex subunit 1; minus strand). Cytogenetic location: 1p32.3.
Variant type: single nucleotide variant.
Coding change: c.1330C>T on transcript NM_004153.4 (MANE Select); coding-DNA position 1330, C replaced by T.
Protein change: p.Arg444Ter; replaces arginine 444 with a stop codon.
Molecular consequence: nonsense.
Genome position (GRCh38, 1-based): chr1:52,388,495, G>A on the plus strand (C>T on the coding strand, the complement: ORC1 is on the minus strand). VCF-style: chr1-52388495-G-A. GRCh37 (hg19) VCF-style: chr1-52854167-G-A.
Other names: c.1330C>T, p.Arg444Ter (NM_001190818.2, NM_001190819.2); short protein forms R444*.
Identifiers: ClinVar variation 1075855 (VCV001075855.7), dbSNP rs1457373378, ClinGen allele CA340357159.
Genomic context (GRCh38, chr1:52,388,495, plus strand): 5'-ACCTTACACTCTTCTTTGGCACCTTCGTGAGGGTATGTAAGGATGACTTCAAGGAAGATC[G>A]CAGGTTCCTGGACACAGTTCTGGGTGCTCTCCTTGGAAGGGGCGGTGTGGAAGCCTCTTC-3'